The following is an entry in ClinVar:

ClinVar aggregate classification (germline): Benign/Likely benign. Review status: criteria provided, multiple submitters, no conflicts (2 of 4 stars). 10 submissions from 10 submitters: Benign (4); Likely benign (4). 2 of the submissions do not count toward it. Last evaluated 2026-02-02.

Conditions:
Cardiovascular phenotype. Identifiers: MedGen CN230736.
Hypertrophic cardiomyopathy. Also called: HYPERTROPHIC MYOCARDIOPATHY. Identifiers: Orphanet 217569, MedGen C0007194, MeSH D002312, MONDO:0005045, HP:0001639.

Allele frequency attached by ClinVar (database versions not stated): 1000 Genomes Project 30x 0.00078; gnomAD exomes 0.00010 and 0.00032; ExAC 0.00041; TOPMed 0.00150; gnomAD 0.00128 and 0.00145.
gnomAD v4.1: 334 of 1,439,436 alleles (0.023%); highest among the groups gnomAD compares: African/African-American, 0.45%; 2 homozygotes.

Submissions (10):

Labcorp Genetics (formerly Invitae), Labcorp
Classification: Benign for Hypertrophic cardiomyopathy. Last evaluated: 2026-02-02. Review status: criteria provided, single submitter. Criteria: Invitae Variant Classification Sherloc (09022015). Collection method: clinical testing. Allele origin: germline.

Molecular Diagnostic Laboratory for Inherited Cardiovascular Disease, Montreal Heart Institute
Classification: Likely benign. Last evaluated: 2025-04-09. Review status: criteria provided, single submitter. Criteria: ACMG Guidelines, 2015. Collection method: clinical testing. Allele origin: germline. Affected: no.

Blueprint Genetics
Classification: Likely benign. Last evaluated: 2024-05-03. Review status: criteria provided, single submitter. Criteria: ACMG Guidelines, 2015. Collection method: clinical testing. Allele origin: germline.

ARUP Laboratories, Molecular Genetics and Genomics, ARUP Laboratories
Classification: Benign. Last evaluated: 2024-03-01. Review status: criteria provided, single submitter. Criteria: ARUP Molecular Germline Variant Investigation Process 2024. Collection method: clinical testing. Allele origin: germline.

Women's Health and Genetics/Laboratory Corporation of America, LabCorp
Classification: Benign. Last evaluated: 2023-08-19. Review status: criteria provided, single submitter. Criteria: LabCorp Variant Classification Summary - May 2015. Collection method: clinical testing. Allele origin: germline.

Ambry Genetics
Classification: Likely benign for Cardiovascular phenotype. Last evaluated: 2015-11-05. Review status: criteria provided, single submitter. Criteria: Ambry Variant Classification Scheme 2023. Collection method: clinical testing. Allele origin: germline.

Laboratory for Molecular Medicine, Mass General Brigham Personalized Medicine
Classification: Likely benign. Last evaluated: 2015-06-12. Review status: criteria provided, single submitter. Criteria: LMM Criteria. Collection method: clinical testing. Allele origin: germline. Observed: 1 variant allele.
Comment: p.Ala214Ala in exon 2 of JPH2: This variant is not expected to have clinical sig nificance because it does not alter an amino acid residue and is not located wit hin the splice consensus sequence. It has been identified in 1/82 African chromo somes by the Exome Aggregation Consortium (ExAC) .

GeneDx
Classification: Benign. Last evaluated: 2014-04-03. Review status: criteria provided, single submitter. Criteria: GeneDx Variant Classification (06012015). Collection method: clinical testing. Allele origin: germline. Affected: yes.
Comment: This variant is considered likely benign or benign based on one or more of the following criteria: it is a conservative change, it occurs at a poorly conserved position in the protein, it is predicted to be benign by multiple in silico algorithms, and/or has population frequency not consistent with disease.

Clinical Genetics DNA and cytogenetics Diagnostics Lab, Erasmus MC, Erasmus Medical Center
Classification: Likely benign. Review status: no assertion criteria provided. Collection method: clinical testing. Allele origin: germline. Affected: yes. Study: VKGL Data-share Consensus. Not counted in ClinVar's aggregate classification.

Clinical Genetics, Academic Medical Center
Classification: Benign. Review status: no assertion criteria provided. Collection method: clinical testing. Allele origin: germline. Affected: yes. Study: VKGL Data-share Consensus. Not counted in ClinVar's aggregate classification.

NM_020433.5(JPH2):c.642G>A (p.Ala214=)

Gene: JPH2 (junctophilin 2; minus strand). Cytogenetic location: 20q13.12.
Variant type: single nucleotide variant.
Coding change: c.642G>A on transcript NM_020433.5 (MANE Select); coding-DNA position 642, G replaced by A.
Protein change: p.Ala214=; no amino-acid change (alanine 214 retained).
Molecular consequence: synonymous variant.
Genome position (GRCh38, 1-based): chr20:44,160,145, C>T on the plus strand (G>A on the coding strand, the complement: JPH2 is on the minus strand). VCF-style: chr20-44160145-C-T. GRCh37 (hg19) VCF-style: chr20-42788785-C-T.
Other names: p.A214A:GCG>GCA.
Identifiers: ClinVar variation 137605 (VCV000137605.29), dbSNP rs587780956, ClinGen allele CA333089.